The following is an entry in ClinVar:

ClinVar aggregate classification (germline): Uncertain significance. Review status: criteria provided, multiple submitters, no conflicts (2 of 4 stars). 5 submissions from 5 submitters: Uncertain significance (5). Last evaluated 2026-10-01.

Conditions:
Fanconi anemia complementation group Q. Identifiers: Orphanet 84, MedGen C3808988, MONDO:0014108, OMIM 615272.
XFE progeroid syndrome (XFEPS). Also called: XPF-ERCC1 PROGEROID SYNDROME. Identifiers: MedGen C1970416, MONDO:0012590, OMIM 610965.
Xeroderma pigmentosum, group F (XPF). Also called: XERODERMA PIGMENTOSUM VI; XP, GROUP F; XERODERMA PIGMENTOSUM, TYPE F; Xeroderma pigmentosum, type 6; XERODERMA PIGMENTOSUM, COMPLEMENTATION GROUP F; ERCC4-Related Xeroderma Pigmentosum. Identifiers: MedGen C0268140, MONDO:0010215, OMIM 278760.
Cockayne syndrome. Identifiers: Orphanet 191, MedGen C0009207, MONDO:0016006.

Allele frequency attached by ClinVar (database versions not stated): gnomAD exomes 0.00001; ExAC 0.00002; gnomAD 0.00006; TOPMed 0.00009.
gnomAD v4.1: 25 of 1,614,052 alleles (0.0015%); highest among the groups gnomAD compares: African/African-American, 0.017%; no homozygotes.

Submissions (5):

St. Jude Molecular Pathology, St. Jude Children's Research Hospital
Classification: Uncertain significance for Xeroderma pigmentosum, group F. Last evaluated: 2026-10-01. Review status: criteria provided, single submitter. Criteria: St. Jude Assertion Criteria 2020. Collection method: clinical testing. Allele origin: germline.
Comment: The ERCC4 c.2603A>C p.(His868Pro) missense change has a maximum subpopulation frequency of 0.01% in gnomAD v2.1.1. The in silico tool REVEL predicts a benign effect on protein function, but to our knowledge this prediction has not been confirmed by functional studies. To our knowledge, this variant has not been reported in the literature in individuals with Fanconi anemia or Xeroderma pigmentosum. In summary, the evidence currently available is insufficient to determine the clinical significance of this variant. It has therefore been classified as of uncertain significance.

Labcorp Genetics (formerly Invitae), Labcorp
Classification: Uncertain significance for Fanconi anemia complementation group Q; Xeroderma pigmentosum, group F; Cockayne syndrome. Last evaluated: 2025-11-03. Review status: criteria provided, single submitter. Criteria: Invitae Variant Classification Sherloc (09022015). Collection method: clinical testing. Allele origin: germline.
Comment: This sequence change replaces histidine, which is basic and polar, with proline, which is neutral and non-polar, at codon 868 of the ERCC4 protein (p.His868Pro). This variant is present in population databases (rs368064765, gnomAD 0.01%). This variant has not been reported in the literature in individuals affected with ERCC4-related conditions. ClinVar contains an entry for this variant (Variation ID: 645946). Invitae Evidence Modeling of protein sequence and biophysical properties (such as structural, functional, and spatial information, amino acid conservation, physicochemical variation, residue mobility, and thermodynamic stability) indicates that this missense variant is not expected to disrupt ERCC4 protein function with a negative predictive value of 80%. In summary, the available evidence is currently insufficient to determine the role of this variant in disease. Therefore, it has been classified as a Variant of Uncertain Significance.

Blueprint Genetics
Classification: Uncertain significance. Last evaluated: 2024-10-23. Review status: criteria provided, single submitter. Criteria: ACMG Guidelines, 2015. Collection method: clinical testing. Allele origin: germline.

Fulgent Genetics
Classification: Uncertain significance for Xeroderma pigmentosum, group F; XFE progeroid syndrome; Fanconi anemia complementation group Q. Last evaluated: 2021-09-03. Review status: criteria provided, single submitter. Criteria: ACMG Guidelines, 2015. Collection method: clinical testing. Allele origin: unknown.

Revvity Omics, Revvity
Classification: Uncertain significance. Last evaluated: 2020-04-03. Review status: criteria provided, single submitter. Criteria: ACMG Guidelines, 2015. Collection method: clinical testing. Allele origin: germline.

NM_005236.3(ERCC4):c.2603A>C (p.His868Pro)

Gene: ERCC4 (ERCC excision repair 4, endonuclease catalytic subunit; plus strand). Cytogenetic location: 16p13.12.
Variant type: single nucleotide variant.
Coding change: c.2603A>C on transcript NM_005236.3 (MANE Select); coding-DNA position 2603, A replaced by C.
Protein change: p.His868Pro; replaces histidine 868 with proline.
Molecular consequence: missense variant.
Genome position (GRCh38, 1-based): chr16:13,948,199, A>C. VCF-style: chr16-13948199-A-C. GRCh37 (hg19) VCF-style: chr16-14042056-A-C.
Other names: short protein forms H868P.
Identifiers: ClinVar variation 645946 (VCV000645946.13), dbSNP rs368064765, ClinGen allele CA7910776.